The following is an entry in ClinVar:

ClinVar aggregate classification (germline): Likely benign. Review status: criteria provided, multiple submitters, no conflicts (2 of 4 stars). 2 submissions from 2 submitters: Likely benign (2). Last evaluated 2025-01-27.

Allele frequency attached by ClinVar (database versions not stated): gnomAD 0.00004; gnomAD exomes 0.00004; ExAC 0.00009.
gnomAD v4.1: 68 of 1,613,276 alleles (0.0042%); highest among the groups gnomAD compares: East Asian, 0.076%; no homozygotes.

Submissions (2):

Labcorp Genetics (formerly Invitae), Labcorp
Classification: Likely benign. Last evaluated: 2025-01-27. Review status: criteria provided, single submitter. Criteria: Invitae Variant Classification Sherloc (09022015). Collection method: clinical testing. Allele origin: germline.

CeGaT Center for Human Genetics Tuebingen
Classification: Likely benign. Last evaluated: 2022-07-01. Review status: criteria provided, single submitter. Criteria: CeGaT Center For Human Genetics Tuebingen Variant Classification Criteria Version 2. Collection method: clinical testing. Allele origin: germline. Affected: yes. Observed: 1 variant allele.
Comment: LRRK1: BP4, BP7

NM_024652.6(LRRK1):c.4689G>A (p.Thr1563=)

Genes: LRRK1 (leucine rich repeat kinase 1; plus strand), LRRK1-AS1 (LRRK1 antisense RNA 1; minus strand). Cytogenetic location: 15q26.3.
Variant type: single nucleotide variant.
Coding change: c.4689G>A on transcript NM_024652.6 (MANE Select); coding-DNA position 4689, G replaced by A.
Protein change: p.Thr1563=; no amino-acid change (threonine 1563 retained).
Molecular consequence: synonymous variant.
Genome position (GRCh38, 1-based): chr15:101,061,180, G>A. VCF-style: chr15-101061180-G-A. GRCh37 (hg19) VCF-style: chr15-101601385-G-A.
Identifiers: ClinVar variation 2428302 (VCV002428302.31), dbSNP rs762048920, ClinGen allele CA7761937.